The following is an entry in ClinVar:

ClinVar aggregate classification (germline): Uncertain significance. Review status: criteria provided, multiple submitters, no conflicts (2 of 4 stars). 2 submissions from 2 submitters: Uncertain significance (2). Last evaluated 2025-06-19.

Conditions:
Inborn genetic diseases. Identifiers: MedGen C0950123, MeSH D030342.
Peroxisome biogenesis disorder 11A (Zellweger). Also called: Peroxisome biogenesis disorder 11A. Identifiers: Orphanet 912, MedGen C3554000, MONDO:0013949, OMIM 614883.

Allele frequency attached by ClinVar (database versions not stated): gnomAD exomes 0.00001; ESP Exome Variant Server 0.00008.
gnomAD v4.1: 3 of 1,613,814 alleles (0.00019%); highest among the groups gnomAD compares: Non-Finnish European, 0.00025%; no homozygotes.

Submissions (2):

Ambry Genetics
Classification: Uncertain significance for Inborn genetic diseases. Last evaluated: 2025-06-19. Review status: criteria provided, single submitter. Criteria: Ambry Variant Classification Scheme 2023. Collection method: clinical testing. Allele origin: germline.

Labcorp Genetics (formerly Invitae), Labcorp
Classification: Uncertain significance for Peroxisome biogenesis disorder 11A (Zellweger). Last evaluated: 2022-06-01. Review status: criteria provided, single submitter. Criteria: Invitae Variant Classification Sherloc (09022015). Collection method: clinical testing. Allele origin: germline.
Comment: This sequence change replaces proline, which is neutral and non-polar, with alanine, which is neutral and non-polar, at codon 114 of the PEX13 protein (p.Pro114Ala). This variant is not present in population databases (gnomAD no frequency). This variant has not been reported in the literature in individuals affected with PEX13-related conditions. Algorithms developed to predict the effect of missense changes on protein structure and function (SIFT, PolyPhen-2, Align-GVGD) all suggest that this variant is likely to be tolerated. In summary, the available evidence is currently insufficient to determine the role of this variant in disease. Therefore, it has been classified as a Variant of Uncertain Significance.

NM_002618.4(PEX13):c.340C>G (p.Pro114Ala)

Gene: PEX13 (peroxisomal biogenesis factor 13; plus strand). Cytogenetic location: 2p15.
Variant type: single nucleotide variant.
Coding change: c.340C>G on transcript NM_002618.4 (MANE Select); coding-DNA position 340, C replaced by G.
Protein change: p.Pro114Ala; replaces proline 114 with alanine.
Molecular consequence: missense variant.
Genome position (GRCh38, 1-based): chr2:61,031,666, C>G. VCF-style: chr2-61031666-C-G. GRCh37 (hg19) VCF-style: chr2-61258801-C-G.
Other names: c.340C>G (NM_002618.3); short protein forms P114A.
Identifiers: ClinVar variation 2157793 (VCV002157793.2), dbSNP rs142075378, ClinGen allele CA48342193.